The following is an entry in ClinVar:

ClinVar aggregate classification (germline): Benign. Review status: criteria provided, multiple submitters, no conflicts (2 of 4 stars). 4 submissions from 4 submitters: Benign (3). 1 of the submissions does not count toward it. Last evaluated 2026-01-19.

Allele frequency attached by ClinVar (database versions not stated): gnomAD exomes 0.00046 and 0.00107; ExAC 0.00127; gnomAD 0.00397 and 0.00427; TOPMed 0.00466; 1000 Genomes Project 0.00479; ESP Exome Variant Server 0.00531; 1000 Genomes Project 30x 0.00562.

Submissions (4):

Labcorp Genetics (formerly Invitae), Labcorp
Classification: Benign. Last evaluated: 2026-01-19. Review status: criteria provided, single submitter. Criteria: Invitae Variant Classification Sherloc (09022015). Collection method: clinical testing. Allele origin: germline.

Laboratory for Molecular Medicine, Mass General Brigham Personalized Medicine
Classification: Benign. Last evaluated: 2014-11-24. Review status: criteria provided, single submitter. Criteria: LMM Criteria. Collection method: clinical testing. Allele origin: germline. Observed: 3 variant alleles.
Comment: Leu290Leu in exon 9 of HARS2: This variant is not expected to have clinical sign ificance because it does not alter an amino acid residue and is not located with in the splice consensus sequence. It has been identified in 1.6% (69/4406) of Af rican American chromosomes from a broad population by the NHLBI Exome Sequencing Project (dbSNP rs73273316).

GeneDx
Classification: Benign. Last evaluated: 2014-08-25. Review status: criteria provided, single submitter. Criteria: GeneDx Variant Classification (06012015). Collection method: clinical testing. Allele origin: germline. Affected: yes.
Comment: This variant is considered likely benign or benign based on one or more of the following criteria: it is a conservative change, it occurs at a poorly conserved position in the protein, it is predicted to be benign by multiple in silico algorithms, and/or has population frequency not consistent with disease.

Mayo Clinic Laboratories, Mayo Clinic
Classification: Likely benign. Last evaluated: 2016-03-16. Review status: no assertion criteria provided. Collection method: clinical testing. Allele origin: unknown. Not counted in ClinVar's aggregate classification.

NM_012208.4(HARS2):c.868C>T (p.Leu290=)

Gene: HARS2 (histidyl-tRNA synthetase 2, mitochondrial; plus strand). Cytogenetic location: 5q31.3.
Variant type: single nucleotide variant.
Coding change: c.868C>T on transcript NM_012208.4 (MANE Select); coding-DNA position 868, C replaced by T.
Protein change: p.Leu290=; no amino-acid change (leucine 290 retained).
Molecular consequence: synonymous variant.
Genome position (GRCh38, 1-based): chr5:140,696,984, C>T. VCF-style: chr5-140696984-C-T. GRCh37 (hg19) VCF-style: chr5-140076569-C-T.
Other names: p.L290L:CTA>TTA; c.793C>T, p.Leu265= (NM_001278731.2); c.436C>T, p.Leu146= (NM_001278732.2); c.886C>T, p.Leu296= (NM_001363535.2); c.658C>T, p.Leu220= (NM_001363536.2).
Identifiers: ClinVar variation 214540 (VCV000214540.16), dbSNP rs73273316, ClinGen allele CA322903.